The following is an entry in ClinVar:

NM_000179.3(MSH6):c.2771C>T (p.Thr924Ile)

Gene: MSH6 (mutS homolog 6; plus strand). Cytogenetic location: 2p16.3.
Variant type: single nucleotide variant.
Coding change: c.2771C>T on transcript NM_000179.3 (MANE Select); coding-DNA position 2771, C replaced by T.
Protein change: p.Thr924Ile; replaces threonine 924 with isoleucine.
Molecular consequence: missense variant.
Genome position (GRCh38, 1-based): chr2:47,800,754, C>T. VCF-style: chr2-47800754-C-T. GRCh37 (hg19) VCF-style: chr2-48027893-C-T.
Other names: c.2381C>T, p.Thr794Ile (NM_001281492.2); c.1865C>T, p.Thr622Ile (NM_001281493.2, NM_001281494.2); short protein forms T924I, T622I, T794I.
Identifiers: ClinVar variation 483862 (VCV000483862.23), dbSNP rs1553414130, ClinGen allele CA346755460.
Genomic context (GRCh38, chr2:47,800,754, plus strand): 5'-ATTTGACTGTAGAATTGAACCGATGGGATACAGCCTTTGACCATGAAAAGGCTCGAAAGA[C>T]TGGACTTATTACTCCCAAAGCAGGCTTTGACTCTGATTATGACCAAGCTCTTGCTGACAT-3'
Protein context (NP_000170.1, residues 914-934): TAFDHEKARK[Thr924Ile]GLITPKAGFD

ClinVar aggregate classification (germline): Uncertain significance. Review status: criteria provided, multiple submitters, no conflicts (2 of 4 stars). 5 submissions from 5 submitters: Uncertain significance (5). Last evaluated 2025-12-30.

Conditions:
Lynch syndrome. Identifiers: Orphanet 144, MedGen C4552100, MONDO:0005835. Disease mechanism: loss of function.
Hereditary nonpolyposis colorectal neoplasms. Identifiers: MedGen C0009405, MeSH D003123.
Hereditary cancer-predisposing syndrome. Also called: Neoplastic Syndromes, Hereditary; Tumor predisposition; Hereditary Cancer Syndrome; Hereditary neoplastic syndrome. Identifiers: Orphanet 140162, MedGen C0027672, MeSH D009386, MONDO:0015356.

Submissions (5):

Labcorp Genetics (formerly Invitae), Labcorp
Classification: Uncertain significance for Hereditary nonpolyposis colorectal neoplasms. Last evaluated: 2025-12-30. Review status: criteria provided, single submitter. Criteria: Invitae Variant Classification Sherloc (09022015). Collection method: clinical testing. Allele origin: germline.
Comment: This sequence change replaces threonine, which is neutral and polar, with isoleucine, which is neutral and non-polar, at codon 924 of the MSH6 protein (p.Thr924Ile). This variant is not present in population databases (gnomAD no frequency). This variant has not been reported in the literature in individuals affected with MSH6-related conditions. ClinVar contains an entry for this variant (Variation ID: 483862). Invitae Evidence Modeling of protein sequence and biophysical properties (such as structural, functional, and spatial information, amino acid conservation, physicochemical variation, residue mobility, and thermodynamic stability) indicates that this missense variant is not expected to disrupt MSH6 protein function with a negative predictive value of 95%. In summary, the available evidence is currently insufficient to determine the role of this variant in disease. Therefore, it has been classified as a Variant of Uncertain Significance.

Color Diagnostics, LLC DBA Color Health
Classification: Uncertain significance for Hereditary cancer-predisposing syndrome. Last evaluated: 2025-03-24. Review status: criteria provided, single submitter. Criteria: ACMG Guidelines, 2015. Collection method: clinical testing. Allele origin: germline.
Comment: This missense variant replaces threonine with isoleucine at codon 924 of the MSH6 protein. Computational prediction suggests that this variant may have deleterious impact on protein structure and function (internally defined REVEL score threshold >= 0.7, PMID: 27666373). To our knowledge, functional studies have not been reported for this variant. This variant has not been reported in individuals affected with MSH6-related disorders in the literature. This variant has not been identified in the general population by the Genome Aggregation Database (gnomAD). The available evidence is insufficient to determine the role of this variant in disease conclusively. Therefore, this variant is classified as a Variant of Uncertain Significance.

All of Us Research Program, National Institutes of Health
Classification: Uncertain significance for Lynch syndrome. Last evaluated: 2024-06-09. Review status: criteria provided, single submitter. Criteria: ACMG Guidelines, 2015. Collection method: clinical testing. Allele origin: germline. Inheritance: Autosomal dominant inheritance. Observed: 1 variant allele, 1 heterozygote.
Comment: This missense variant replaces threonine with isoleucine at codon 924 of the MSH6 protein. Computational prediction suggests that this variant may have deleterious impact on protein structure and function (internally defined REVEL score threshold >= 0.7, PMID: 27666373). To our knowledge, functional studies have not been reported for this variant. This variant has not been reported in individuals affected with MSH6-related disorders in the literature. This variant has not been identified in the general population by the Genome Aggregation Database (gnomAD). The available evidence is insufficient to determine the role of this variant in disease conclusively. Therefore, this variant is classified as a Variant of Uncertain Significance.

This study involves interpretation of variants in research participants for the purpose of population health screening. Participant phenotype was not available at the time of variant classification. Additional details can be found in publication PMID: 35346344, PMCID: PMC8962531

Ambry Genetics
Classification: Uncertain significance for Hereditary cancer-predisposing syndrome. Last evaluated: 2022-10-27. Review status: criteria provided, single submitter. Criteria: Ambry Variant Classification Scheme 2023. Collection method: clinical testing. Allele origin: germline.
Comment: The p.T924I variant (also known as c.2771C>T), located in coding exon 4 of the MSH6 gene, results from a C to T substitution at nucleotide position 2771. The threonine at codon 924 is replaced by isoleucine, an amino acid with similar properties. This amino acid position is highly conserved in available vertebrate species. In addition, this alteration is predicted to be deleterious by in silico analysis. Since supporting evidence is limited at this time, the clinical significance of this alteration remains unclear.

GeneDx
Classification: Uncertain significance. Last evaluated: 2019-11-29. Review status: criteria provided, single submitter. Criteria: GeneDx Variant Classification Process June 2021. Collection method: clinical testing. Allele origin: germline. Affected: yes.
Comment: Not observed in large population cohorts (Lek 2016); In silico analysis, which includes protein predictors and evolutionary conservation, supports a deleterious effect; Has not been previously published as pathogenic or benign to our knowledge